The following is an entry in ClinVar:

NM_144687.4(NLRP12):c.2761G>C (p.Gly921Arg)

Gene: NLRP12 (NLR family pyrin domain containing 12; minus strand). Cytogenetic location: 19q13.42.
Variant type: single nucleotide variant.
Coding change: c.2761G>C on transcript NM_144687.4 (MANE Select); coding-DNA position 2761, G replaced by C.
Protein change: p.Gly921Arg; replaces glycine 921 with arginine.
Molecular consequence: missense variant. On other transcripts: intron variant (1).
Genome position (GRCh38, 1-based): chr19:53,798,409, C>G on the plus strand (G>C on the coding strand, the complement: NLRP12 is on the minus strand). VCF-style: chr19-53798409-C-G. GRCh37 (hg19) VCF-style: chr19-54301663-C-G.
Other names: c.2764G>C, p.Gly922Arg (NM_001277126.2); c.2757-2380G>C (NM_001277129.1); short protein forms G921R, G922R.
Identifiers: ClinVar variation 662386 (VCV000662386.48), dbSNP rs199980950, ClinGen allele CA9638908.

ClinVar aggregate classification (germline): Conflicting classifications of pathogenicity. Review status: criteria provided, conflicting classifications (1 of 4 stars). 4 submissions from 4 submitters: Uncertain significance (2); Likely benign (2). Last evaluated 2025-11-01.

Conditions:
Familial cold autoinflammatory syndrome 2 (FCAS2). Identifiers: Orphanet 247868, MedGen C2673198, MONDO:0012724, OMIM 611762.

Allele frequency attached by ClinVar (database versions not stated): ExAC 0.00007; TOPMed 0.00007; ESP Exome Variant Server 0.00008; gnomAD 0.00009 and 0.00011; gnomAD exomes 0.00009 and 0.00012.
gnomAD v4.1: 193 of 1,613,844 alleles (0.012%); highest among the groups gnomAD compares: Non-Finnish European, 0.016%; no homozygotes.

Submissions (4):

Labcorp Genetics (formerly Invitae), Labcorp
Classification: Uncertain significance for Familial cold autoinflammatory syndrome 2. Last evaluated: 2025-11-01. Review status: criteria provided, single submitter. Criteria: Invitae Variant Classification Sherloc (09022015). Collection method: clinical testing. Allele origin: germline.
Comment: This sequence change replaces glycine, which is neutral and non-polar, with arginine, which is basic and polar, at codon 921 of the NLRP12 protein (p.Gly921Arg). This variant is present in population databases (rs199980950, gnomAD 0.02%). This variant has not been reported in the literature in individuals affected with NLRP12-related conditions. ClinVar contains an entry for this variant (Variation ID: 662386). Invitae Evidence Modeling of protein sequence and biophysical properties (such as structural, functional, and spatial information, amino acid conservation, physicochemical variation, residue mobility, and thermodynamic stability) indicates that this missense variant is not expected to disrupt NLRP12 protein function with a negative predictive value of 80%. In summary, the available evidence is currently insufficient to determine the role of this variant in disease. Therefore, it has been classified as a Variant of Uncertain Significance.

CeGaT Center for Human Genetics Tuebingen
Classification: Likely benign. Last evaluated: 2024-05-01. Review status: criteria provided, single submitter. Criteria: CeGaT Center For Human Genetics Tuebingen Variant Classification Criteria Version 2. Collection method: clinical testing. Allele origin: germline. Affected: yes. Observed: 2 variant alleles.
Comment: NLRP12: BP4

Pittsburgh Clinical Genomics Laboratory, University of Pittsburgh Medical Center
Classification: Uncertain significance for Familial cold autoinflammatory syndrome 2. Last evaluated: 2024-03-07. Review status: criteria provided, single submitter. Criteria: ACMG Guidelines, 2015. Collection method: clinical testing. Allele origin: germline. Inheritance: Autosomal dominant inheritance. Affected: yes.
Comment: This sequence variant is a single nucleotide substitution (G>C) at position 2761 of the coding sequence of the NLRP12 gene that results in a glycine to arginine amino acid change at residue 921 of the NLR family pyrin domain containing 12 protein. This is a previously reported variant (ClinVar 662386) that has been observed in an individual affected by Yao syndrome (PMID: 37928541). This variant is present in 193/1613844 alleles (0.01196%) in the gnomAD v4.0.0 population dataset. Multiple bioinformatic tools predict that this amino acid change would be neutral, and the Gly921 residue at this position is poorly conserved across the vertebrate species examined. Studies examining the functional consequence of this variant have not been performed, to our knowledge. At this time, there is insufficient evidence to determine if this variant is pathogenic or benign. Therefore, we consider this a variant of uncertain significance. ACMG Criteria: BP1, BP4

Illumina Laboratory Services, Illumina
Classification: Likely benign for Familial cold autoinflammatory syndrome 2. Last evaluated: 2018-01-13. Review status: criteria provided, single submitter. Criteria: ICSL Variant Classification Criteria 13 December 2019. Collection method: clinical testing. Allele origin: germline.
Comment: This variant was observed in the ICSL laboratory as part of a predisposition screen in an ostensibly healthy population. It had not been previously curated by ICSL or reported in the Human Gene Mutation Database (HGMD: prior to June 1st, 2018), and was therefore a candidate for classification through an automated scoring system. Utilizing variant allele frequency, disease prevalence and penetrance estimates, and inheritance mode, an automated score was calculated to assess if this variant is too frequent to cause the disease. Based on the score and internal cut-off values, a variant classified as likely benign is not then subjected to further curation. The score for this variant resulted in a classification of likely benign for this disease.

Literature cited by the submitters: PubMed 37928541 (cited by Pittsburgh Clinical Genomics Laboratory, University of Pittsburgh Medical Center).